The following is an entry in ClinVar:

NM_002894.3(RBBP8):c.2587A>G (p.Met863Val)

Gene: RBBP8 (RB binding protein 8, endonuclease; plus strand). Cytogenetic location: 18q11.2.
Variant type: single nucleotide variant.
Coding change: c.2587A>G on transcript NM_002894.3 (MANE Select); coding-DNA position 2587, A replaced by G.
Protein change: p.Met863Val; replaces methionine 863 with valine.
Molecular consequence: missense variant. On other transcripts: synonymous variant (1).
Genome position (GRCh38, 1-based): chr18:23,022,261, A>G. VCF-style: chr18-23022261-A-G. GRCh37 (hg19) VCF-style: chr18-20602224-A-G.
Other names: c.2587A>G (NM_002894.2); c.2587A>G, p.Met863Val (NM_203291.2); c.2490A>G, p.Val830= (NM_203292.2); short protein forms M863V.
Identifiers: ClinVar variation 4810256 (VCV004810256.2).

ClinVar aggregate classification (germline): Uncertain significance. Review status: criteria provided, multiple submitters, no conflicts (2 of 4 stars). 2 submissions from 2 submitters: Uncertain significance (2). Last evaluated 2026-04-20.

Conditions:
RBBP8-related disorder. Also called: RBBP8-related condition; RBBP8-Related Disorders. Identifiers: MedGen CN239300.

gnomAD v4.1: 12 of 1,610,186 alleles (0.00075%); highest among the groups gnomAD compares: Admixed American, 0.0033%; no homozygotes.

Submissions (2):

PreventionGenetics, part of Exact Sciences
Classification: Uncertain significance for RBBP8-related condition. Last evaluated: 2026-04-20. Review status: criteria provided, single submitter. Criteria: ACMG Guidelines, 2015. Collection method: clinical testing. Allele origin: germline.
Comment: The RBBP8 c.2587A>G variant is predicted to result in the amino acid substitution p.Met863Val. To our knowledge, this variant has not been reported in the literature. This variant is reported in 0.0058% of alleles in individuals of Latino descent in gnomAD. At this time, the clinical significance of this variant is uncertain due to the absence of conclusive functional and genetic evidence.

Labcorp Genetics (formerly Invitae), Labcorp
Classification: Uncertain significance. Last evaluated: 2025-12-01. Review status: criteria provided, single submitter. Criteria: Invitae Variant Classification Sherloc (09022015). Collection method: clinical testing. Allele origin: germline.
Comment: This sequence change replaces methionine, which is neutral and non-polar, with valine, which is neutral and non-polar, at codon 863 of the RBBP8 protein (p.Met863Val). This variant is present in population databases (rs552562949, gnomAD 0.007%). This variant has not been reported in the literature in individuals affected with RBBP8-related conditions. Invitae Evidence Modeling of protein sequence and biophysical properties (such as structural, functional, and spatial information, amino acid conservation, physicochemical variation, residue mobility, and thermodynamic stability) indicates that this missense variant is not expected to disrupt RBBP8 protein function with a negative predictive value of 80%. In summary, the available evidence is currently insufficient to determine the role of this variant in disease. Therefore, it has been classified as a Variant of Uncertain Significance.